The following is an entry in ClinVar:

NM_001430.5(EPAS1):c.1894G>A (p.Gly632Arg)

Gene: EPAS1 (endothelial PAS domain protein 1; plus strand). Cytogenetic location: 2p21.
Variant type: single nucleotide variant.
Coding change: c.1894G>A on transcript NM_001430.5 (MANE Select); coding-DNA position 1894, G replaced by A.
Protein change: p.Gly632Arg; replaces glycine 632 with arginine.
Molecular consequence: missense variant.
Genome position (GRCh38, 1-based): chr2:46,380,566, G>A. VCF-style: chr2-46380566-G-A. GRCh37 (hg19) VCF-style: chr2-46607705-G-A.
Other names: short protein forms G632R.
Identifiers: ClinVar variation 3221581 (VCV003221581.1), dbSNP rs2103673355, ClinGen allele CA346705098.

ClinVar aggregate classification (germline): Uncertain significance (1 of 4 stars; one submission).

Conditions:
Inborn genetic diseases. Identifiers: MedGen C0950123, MeSH D030342.

gnomAD v4.1: 1 of 1,614,066 alleles (0.000062%); highest among the groups gnomAD compares: Non-Finnish European, 0.000085%; no homozygotes.

Submission:

Ambry Genetics
Classification: Uncertain significance for Inborn genetic diseases. Last evaluated: 2024-02-17. Review status: criteria provided, single submitter. Criteria: Ambry Variant Classification Scheme 2023. Collection method: clinical testing. Allele origin: germline.
Comment: The p.G632R variant (also known as c.1894G>A), located in coding exon 12 of the EPAS1 gene, results from a G to A substitution at nucleotide position 1894. The glycine at codon 632 is replaced by arginine, an amino acid with dissimilar properties. This amino acid position is conserved. In addition, this alteration is predicted to be deleterious by in silico analysis. Based on the available evidence, the clinical significance of this alteration remains unclear.